The following is an entry in ClinVar:

ClinVar aggregate classification (germline): Benign/Likely benign. Review status: criteria provided, multiple submitters, no conflicts (2 of 4 stars). 3 submissions from 3 submitters: Benign (1); Likely benign (1). 1 of the submissions does not count toward it. Last evaluated 2025-11-10.

Conditions:
RHBDF2-related disorder. Also called: RHBDF2-related condition.

Allele frequency attached by ClinVar (database versions not stated): ExAC 0.00027; ESP Exome Variant Server 0.00046; gnomAD 0.00063; TOPMed 0.00070; 1000 Genomes Project 0.00080; 1000 Genomes Project 30x 0.00109.

Submissions (3):

Labcorp Genetics (formerly Invitae), Labcorp
Classification: Benign. Last evaluated: 2025-11-10. Review status: criteria provided, single submitter. Criteria: Invitae Variant Classification Sherloc (09022015). Collection method: clinical testing. Allele origin: germline.

Blueprint Genetics
Classification: Likely benign. Last evaluated: 2024-06-19. Review status: criteria provided, single submitter. Criteria: ACMG Guidelines, 2015. Collection method: clinical testing. Allele origin: germline.

PreventionGenetics, part of Exact Sciences
Classification: Likely benign for RHBDF2-related condition. Last evaluated: 2019-08-09. Review status: no assertion criteria provided. Collection method: clinical testing. Allele origin: germline. Not counted in ClinVar's aggregate classification.
Comment: This variant is classified as likely benign based on ACMG/AMP sequence variant interpretation guidelines (Richards et al. 2015 PMID: 25741868, with internal and published modifications).

NM_001005498.4(RHBDF2):c.900C>T (p.Pro300=)

Gene: RHBDF2 (rhomboid 5 homolog 2; minus strand). Cytogenetic location: 17q25.1.
Variant type: single nucleotide variant.
Coding change: c.900C>T on transcript NM_001005498.4 (MANE Select); coding-DNA position 900, C replaced by T.
Protein change: p.Pro300=; no amino-acid change (proline 300 retained).
Molecular consequence: synonymous variant. On other transcripts: non-coding transcript variant (3).
Genome position (GRCh38, 1-based): chr17:76,477,200, G>A on the plus strand (C>T on the coding strand, the complement: RHBDF2 is on the minus strand). VCF-style: chr17-76477200-G-A. GRCh37 (hg19) VCF-style: chr17-74473282-G-A.
Other names: c.900C>T, p.Pro300= (NM_001376228.1, NM_001376229.1, NM_001376230.1); c.987C>T, p.Pro329= (NM_024599.5).
Identifiers: ClinVar variation 2727725 (VCV002727725.6), dbSNP rs142534536, ClinGen allele CA8787191.